The following is an entry in ClinVar:

NM_000336.3(SCNN1B):c.1253G>A (p.Arg418Gln)

Gene: SCNN1B (sodium channel epithelial 1 subunit beta; plus strand). Cytogenetic location: 16p12.2.
Variant type: single nucleotide variant.
Coding change: c.1253G>A on transcript NM_000336.3 (MANE Select); coding-DNA position 1253, G replaced by A.
Protein change: p.Arg418Gln; replaces arginine 418 with glutamine.
Molecular consequence: missense variant.
Genome position (GRCh38, 1-based): chr16:23,375,838, G>A. VCF-style: chr16-23375838-G-A. GRCh37 (hg19) VCF-style: chr16-23387159-G-A.
Other names: c.1145G>A, p.Arg382Gln (NM_001410900.1); short protein forms R418Q, R382Q.
Identifiers: ClinVar variation 2722826 (VCV002722826.3), dbSNP rs201649568, ClinGen allele CA7960409.
Genomic context (GRCh38, chr16:23,375,838, plus strand): 5'-ACTGCAACTGTGGCCACTACCTGTACCCACTGCCCCGTGGGGAGAAATACTGCAACAACC[G>A]GGACTTCCCAGACTGGGGTGAGCGGGGGCACGGGGGATCGGCACTCCAGCCATCTGGGGC-3'
Protein context (NP_000327.2, residues 408-428): LPRGEKYCNN[Arg418Gln]DFPDWAHCYS

ClinVar aggregate classification (germline): Uncertain significance (1 of 4 stars; one submission).

Allele frequency attached by ClinVar (database versions not stated): gnomAD exomes 0.00003; ExAC 0.00006; TOPMed 0.00012; gnomAD 0.00013; ESP Exome Variant Server 0.00015; 1000 Genomes Project 30x 0.00016; 1000 Genomes Project 0.00020.
gnomAD v4.1: 61 of 1,612,452 alleles (0.0038%); highest among the groups gnomAD compares: African/African-American, 0.047%; no homozygotes.

Submission:

Labcorp Genetics (formerly Invitae), Labcorp
Classification: Uncertain significance. Last evaluated: 2024-01-04. Review status: criteria provided, single submitter. Criteria: Invitae Variant Classification Sherloc (09022015). Collection method: clinical testing. Allele origin: germline.
Comment: This sequence change replaces arginine, which is basic and polar, with glutamine, which is neutral and polar, at codon 418 of the SCNN1B protein (p.Arg418Gln). This variant is present in population databases (rs201649568, gnomAD 0.05%). This variant has not been reported in the literature in individuals affected with SCNN1B-related conditions. Advanced modeling of protein sequence and biophysical properties (such as structural, functional, and spatial information, amino acid conservation, physicochemical variation, residue mobility, and thermodynamic stability) performed at Invitae indicates that this missense variant is not expected to disrupt SCNN1B protein function with a negative predictive value of 80%. In summary, the available evidence is currently insufficient to determine the role of this variant in disease. Therefore, it has been classified as a Variant of Uncertain Significance.